The following is an entry in ClinVar:

ClinVar aggregate classification (germline): Uncertain significance (1 of 4 stars; one submission).

Allele frequency attached by ClinVar (database versions not stated): gnomAD exomes 0.00039.
gnomAD v4.1: 12 of 1,610,836 alleles (0.00074%); highest among the groups gnomAD compares: East Asian, 0.0089%; no homozygotes.

Submission:

Biesecker Lab/Clinical Genomics Section, National Institutes of Health
Classification: Uncertain significance. Last evaluated: 2013-06-24. Review status: criteria provided, single submitter. Criteria: Ng et al. (Circ Cardiovasc Genet. 2013). Collection method: research. Allele origin: unknown. Observed: 1 variant allele. Study: ClinSeq.
Comment: The study set was not selected for affection status in relation to any cancer. Pathogenicity categories were based on literature curation. See Pubmed ID:23861362 for details.

Medical sequencing

NM_001267550.2(TTN):c.8884G>C (p.Ala2962Pro)

Gene: TTN (titin; minus strand). Cytogenetic location: 2q31.2.
Variant type: single nucleotide variant.
Coding change: c.8884G>C on transcript NM_001267550.2 (MANE Select); coding-DNA position 8884, G replaced by C.
Protein change: p.Ala2962Pro; replaces alanine 2962 with proline.
Molecular consequence: missense variant.
Genome position (GRCh38, 1-based): chr2:178,769,697, C>G on the plus strand (G>C on the coding strand, the complement: TTN is on the minus strand). VCF-style: chr2-178769697-C-G. GRCh37 (hg19) VCF-style: chr2-179634424-C-G.
Other names: c.8884G>C, p.Ala2962Pro (NM_133378.4, NM_001256850.1, NM_133379.5); c.8746G>C, p.Ala2916Pro (NM_003319.4, NM_133432.3, NM_133437.4); short protein forms A2962P, A2916P.
Identifiers: ClinVar variation 192067 (VCV000192067.1), dbSNP rs765523736, ClinGen allele CA238223.